The following is an entry in ClinVar:

NM_006231.4(POLE):c.4502G>A (p.Gly1501Glu)

Gene: POLE (DNA polymerase epsilon, catalytic subunit; minus strand). Cytogenetic location: 12q24.33.
Variant type: single nucleotide variant.
Coding change: c.4502G>A on transcript NM_006231.4 (MANE Select); coding-DNA position 4502, G replaced by A.
Protein change: p.Gly1501Glu; replaces glycine 1501 with glutamic acid.
Molecular consequence: missense variant.
Genome position (GRCh38, 1-based): chr12:132,643,273, C>T on the plus strand (G>A on the coding strand, the complement: POLE is on the minus strand). VCF-style: chr12-132643273-C-T. GRCh37 (hg19) VCF-style: chr12-133219859-C-T.
Other names: c.4502G>A (NM_006231.2); short protein forms G1501E.
Identifiers: ClinVar variation 1714207 (VCV001714207.6), dbSNP rs2138546674, ClinGen allele CA387380515.

ClinVar aggregate classification (germline): Uncertain significance. Review status: criteria provided, multiple submitters, no conflicts (2 of 4 stars). 2 submissions from 2 submitters: Uncertain significance (2). Last evaluated 2025-09-24.

Conditions:
Hereditary cancer-predisposing syndrome. Also called: Neoplastic Syndromes, Hereditary; Tumor predisposition; Hereditary Cancer Syndrome; Hereditary neoplastic syndrome. Identifiers: Orphanet 140162, MedGen C0027672, MeSH D009386, MONDO:0015356.

Submissions (2):

Ambry Genetics
Classification: Uncertain significance for Hereditary cancer-predisposing syndrome. Last evaluated: 2025-09-24. Review status: criteria provided, single submitter. Criteria: Ambry Variant Classification Scheme 2023. Collection method: clinical testing. Allele origin: germline.
Comment: The p.G1501E variant (also known as c.4502G>A), located in coding exon 35 of the POLE gene, results from a G to A substitution at nucleotide position 4502. The glycine at codon 1501 is replaced by glutamic acid, an amino acid with similar properties. This amino acid position is highly conserved in available vertebrate species. In addition, the in silico prediction for this alteration is inconclusive. Based on the available evidence, the clinical significance of this variant remains unclear.

Labcorp Genetics (formerly Invitae), Labcorp
Classification: Uncertain significance. Last evaluated: 2022-10-03. Review status: criteria provided, single submitter. Criteria: Invitae Variant Classification Sherloc (09022015). Collection method: clinical testing. Allele origin: germline.
Comment: This variant is not present in population databases (gnomAD no frequency). In summary, the available evidence is currently insufficient to determine the role of this variant in disease. Therefore, it has been classified as a Variant of Uncertain Significance. Advanced modeling of protein sequence and biophysical properties (such as structural, functional, and spatial information, amino acid conservation, physicochemical variation, residue mobility, and thermodynamic stability) has been performed at Invitae for this missense variant, however the output from this modeling did not meet the statistical confidence thresholds required to predict the impact of this variant on POLE protein function. This variant has not been reported in the literature in individuals affected with POLE-related conditions. This sequence change replaces glycine, which is neutral and non-polar, with glutamic acid, which is acidic and polar, at codon 1501 of the POLE protein (p.Gly1501Glu).